The following is an entry in ClinVar:

NM_001903.5(CTNNA1):c.1900-9G>T

Gene: CTNNA1 (catenin alpha 1; plus strand). Cytogenetic location: 5q31.2.
Variant type: single nucleotide variant.
Coding change: c.1900-9G>T on transcript NM_001903.5 (MANE Select); 9 bases into the intron before coding-DNA position 1900, G replaced by T.
Molecular consequence: intron variant.
Genome position (GRCh38, 1-based): chr5:138,929,237, G>T. VCF-style: chr5-138929237-G-T. GRCh37 (hg19) VCF-style: chr5-138264926-G-T.
Other names: c.1900-9G>T (NM_001323982.2, NM_001323984.2, NM_001290307.3 and 2 more transcripts); c.1807-9G>T (NM_001323986.2); c.1531-9G>T (NM_001290310.3); c.1591-9G>T (NM_001290309.3); c.790-9G>T (NM_001323996.1, NM_001323993.1, NM_001324005.1 and 17 more transcripts); c.451-9G>T (NM_001324007.1, NM_001324009.1, NM_001324006.1 and 2 more transcripts); c.547-9G>T (NM_001324013.1, NM_001324012.1); c.697-9G>T (NM_001324011.1).
Identifiers: ClinVar variation 767370 (VCV000767370.5), dbSNP rs372481021, ClinGen allele CA915942574.

ClinVar aggregate classification (germline): Likely benign. Review status: criteria provided, multiple submitters, no conflicts (2 of 4 stars). 2 submissions from 2 submitters: Likely benign (2). Last evaluated 2024-10-14.

Conditions:
Hereditary diffuse gastric adenocarcinoma (HDGC). Also called: DIFFUSE GASTRIC AND LOBULAR BREAST CANCER SYNDROME. Identifiers: Orphanet 26106, MedGen C1708349, MONDO:0007648, OMIM 137215.

Submissions (2):

Myriad Genetics, Inc.
Classification: Likely benign for Hereditary diffuse gastric adenocarcinoma. Last evaluated: 2024-10-14. Review status: criteria provided, single submitter. Criteria: Myriad Autosomal Dominant, Autosomal Recessive and X-Linked Classification Criteria (2023). Collection method: clinical testing. Allele origin: unknown.
Comment: This variant is considered likely benign. This variant is intronic and is not expected to impact mRNA splicing.

Labcorp Genetics (formerly Invitae), Labcorp
Classification: Likely benign. Last evaluated: 2019-12-31. Review status: criteria provided, single submitter. Criteria: Invitae Variant Classification Sherloc (09022015). Collection method: clinical testing. Allele origin: germline.